The following is an entry in ClinVar:

ClinVar aggregate classification (germline): Uncertain significance (1 of 4 stars; one submission).

Conditions:
Propionic acidemia (PROP). Also called: GLYCINEMIA, KETOTIC; HYPERGLYCINEMIA WITH KETOACIDOSIS AND LEUKOPENIA; KETOTIC HYPERGLYCINEMIA. Identifiers: Orphanet 35, MedGen C0268579, MONDO:0011628, OMIM 606054, HP:0003571.

Allele frequency attached by ClinVar (database versions not stated): gnomAD exomes below 0.00001; gnomAD 0.00002; TOPMed 0.00005.
gnomAD v4.1: 11 of 1,612,816 alleles (0.00068%); highest among the groups gnomAD compares: African/African-American, 0.0053%; no homozygotes.

Submission:

Labcorp Genetics (formerly Invitae), Labcorp
Classification: Uncertain significance for Propionic acidemia. Last evaluated: 2026-01-05. Review status: criteria provided, single submitter. Criteria: Invitae Variant Classification Sherloc (09022015). Collection method: clinical testing. Allele origin: germline.
Comment: This sequence change replaces aspartic acid, which is acidic and polar, with asparagine, which is neutral and polar, at codon 176 of the PCCA protein (p.Asp176Asn). This variant is present in population databases (no rsID available, gnomAD 0.004%). This variant has not been reported in the literature in individuals affected with PCCA-related conditions. ClinVar contains an entry for this variant (Variation ID: 1479678). Invitae Evidence Modeling of protein sequence and biophysical properties (such as structural, functional, and spatial information, amino acid conservation, physicochemical variation, residue mobility, and thermodynamic stability) has been performed for this missense variant. However, the output from this modeling did not meet the statistical confidence thresholds required to predict the impact of this variant on PCCA protein function. In summary, the available evidence is currently insufficient to determine the role of this variant in disease. Therefore, it has been classified as a Variant of Uncertain Significance.

NM_000282.4(PCCA):c.526G>A (p.Asp176Asn)

Gene: PCCA (propionyl-CoA carboxylase subunit alpha; plus strand). Cytogenetic location: 13q32.3.
Variant type: single nucleotide variant.
Coding change: c.526G>A on transcript NM_000282.4 (MANE Select); coding-DNA position 526, G replaced by A.
Protein change: p.Asp176Asn; replaces aspartic acid 176 with asparagine.
Molecular consequence: missense variant. On other transcripts: 5 prime UTR variant (3), non-coding transcript variant (5).
Genome position (GRCh38, 1-based): chr13:100,209,389, G>A. VCF-style: chr13-100209389-G-A. GRCh37 (hg19) VCF-style: chr13-100861643-G-A.
Other names: c.448G>A, p.Asp150Asn (NM_001127692.3, NM_001352607.2, NM_001352608.2); c.526G>A, p.Asp176Asn (NM_001178004.2, NM_001352605.2, NM_001352606.2 and 1 more transcripts); c.-341G>A (NM_001352610.2, NM_001352611.2, NM_001352612.2); short protein forms D150N, D176N.
Identifiers: ClinVar variation 1479678 (VCV001479678.5), dbSNP rs1047690554, ClinGen allele CA255976842.